The following is an entry in ClinVar:

ClinVar aggregate classification (germline): Uncertain significance (1 of 4 stars; one submission).

Allele frequency attached by ClinVar (database versions not stated): TOPMed below 0.00001; gnomAD exomes 0.00002.
gnomAD v4.1: 24 of 1,614,210 alleles (0.0015%); highest among the groups gnomAD compares: Non-Finnish European, 0.002%; no homozygotes.

Submission:

Labcorp Genetics (formerly Invitae), Labcorp
Classification: Uncertain significance. Last evaluated: 2022-09-27. Review status: criteria provided, single submitter. Criteria: Invitae Variant Classification Sherloc (09022015). Collection method: clinical testing. Allele origin: germline.
Comment: In summary, the available evidence is currently insufficient to determine the role of this variant in disease. Therefore, it has been classified as a Variant of Uncertain Significance. Advanced modeling of protein sequence and biophysical properties (such as structural, functional, and spatial information, amino acid conservation, physicochemical variation, residue mobility, and thermodynamic stability) has been performed at Invitae for this missense variant, however the output from this modeling did not meet the statistical confidence thresholds required to predict the impact of this variant on ARHGEF10 protein function. This variant has not been reported in the literature in individuals affected with ARHGEF10-related conditions. This variant is not present in population databases (gnomAD no frequency). This sequence change replaces asparagine, which is neutral and polar, with aspartic acid, which is acidic and polar, at codon 1122 of the ARHGEF10 protein (p.Asn1122Asp).

NM_014629.4(ARHGEF10):c.3364A>G (p.Asn1122Asp)

Gene: ARHGEF10 (Rho guanine nucleotide exchange factor 10; plus strand). Cytogenetic location: 8p23.3.
Variant type: single nucleotide variant.
Coding change: c.3364A>G on transcript NM_014629.4 (MANE Select); coding-DNA position 3364, A replaced by G.
Protein change: p.Asn1122Asp; replaces asparagine 1122 with aspartic acid.
Molecular consequence: missense variant.
Genome position (GRCh38, 1-based): chr8:1,945,622, A>G. VCF-style: chr8-1945622-A-G. GRCh37 (hg19) VCF-style: chr8-1893788-A-G.
Other names: c.3250A>G, p.Asn1084Asp (NM_001308152.2); c.3364A>G, p.Asn1122Asp (NM_001308153.3); short protein forms N1084D, N1122D, N1146D.
Identifiers: ClinVar variation 1720478 (VCV001720478.6), dbSNP rs929127518, ClinGen allele CA170594355.